The following is an entry in ClinVar:

ClinVar aggregate classification (germline): Uncertain significance (1 of 4 stars; one submission).

Submission:

GeneDx
Classification: Uncertain significance. Last evaluated: 2023-06-23. Review status: criteria provided, single submitter. Criteria: GeneDx Variant Classification Process June 2021. Collection method: clinical testing. Allele origin: germline. Affected: yes.
Comment: Not observed at significant frequency in large population cohorts (gnomAD); In silico analysis supports that this missense variant has a deleterious effect on protein structure/function; Has not been previously published as pathogenic or benign to our knowledge

NM_001123385.2(BCOR):c.4405C>T (p.Arg1469Trp)

Gene: BCOR (BCL6 corepressor; minus strand). Cytogenetic location: Xp11.4.
Variant type: single nucleotide variant.
Coding change: c.4405C>T on transcript NM_001123385.2 (MANE Select); coding-DNA position 4405, C replaced by T.
Protein change: p.Arg1469Trp; replaces arginine 1469 with tryptophan.
Molecular consequence: missense variant.
Genome position (GRCh38, 1-based): chrX:40,062,162, G>A on the plus strand (C>T on the coding strand, the complement: BCOR is on the minus strand). VCF-style: chrX-40062162-G-A. GRCh37 (hg19) VCF-style: chrX-39921415-G-A.
Other names: c.4303C>T, p.Arg1435Trp (NM_001123383.2, NM_017745.6); c.4249C>T, p.Arg1417Trp (NM_001123384.2); short protein forms R1417W, R1435W, R1469W.
Identifiers: ClinVar variation 2506781 (VCV002506781.1), dbSNP rs1356916187, ClinGen allele CA412735821.